The following is an entry in ClinVar:

NM_006035.4(CDC42BPB):c.1123G>A (p.Asp375Asn)

Gene: CDC42BPB (CDC42 binding protein kinase beta; minus strand). Cytogenetic location: 14q32.32.
Variant type: single nucleotide variant.
Coding change: c.1123G>A on transcript NM_006035.4 (MANE Select); coding-DNA position 1123, G replaced by A.
Protein change: p.Asp375Asn; replaces aspartic acid 375 with asparagine.
Molecular consequence: missense variant.
Genome position (GRCh38, 1-based): chr14:102,980,790, C>T on the plus strand (G>A on the coding strand, the complement: CDC42BPB is on the minus strand). VCF-style: chr14-102980790-C-T. GRCh37 (hg19) VCF-style: chr14-103447127-C-T.
Other names: short protein forms D375N.
Identifiers: ClinVar variation 1325610 (VCV001325610.2), dbSNP rs1185383388, ClinGen allele CA391090483.

ClinVar aggregate classification (germline): Uncertain significance (1 of 4 stars; one submission).

Conditions:
Chilton-Okur-Chung neurodevelopmental syndrome (CHOCNS). Identifiers: MedGen C5677022, MONDO:0859239, OMIM 619841.

Allele frequency attached by ClinVar (database versions not stated): gnomAD exomes below 0.00001; gnomAD 0.00001; TOPMed 0.00003.
gnomAD v4.1: 13 of 1,613,990 alleles (0.00081%); highest among the groups gnomAD compares: African/African-American, 0.0013%; no homozygotes.

Submission:

New York Genome Center
Classification: Uncertain significance for Chilton-Okur-Chung neurodevelopmental syndrome. Last evaluated: 2020-05-16. Review status: criteria provided, single submitter. Criteria: NYGC Assertion Criteria 2020. Collection method: clinical testing. Allele origin: inherited. Observed: 1 heterozygote. Study: CSER-NYCKidSeq.
Comment: The c.1123G>A(p.Asp375Asn) variant in exon 8 of 37of CDC42BPB has not been reported in affected individuals in the available literature. This variant is present in gnomADat a very lowfrequency (1/251290alleles, AF=0.000003979, 0 homozygotes) indicating it is not a common benign variant in the populations represented in this database. In silico predictors suggest this variant is Neutral (Provean; score: -1.79) and Tolerated (SIFT; score: 0.179). Given the conflicting evidence regarding its pathogenicity, the c.1123G>A (p.Asp375Asn) variant identified in the CDC42BPB gene is reported as a Variant of Uncertain Significance.